The following is an entry in ClinVar:

ClinVar aggregate classification (germline): Uncertain significance. Review status: criteria provided, multiple submitters, no conflicts (2 of 4 stars). 2 submissions from 2 submitters: Uncertain significance (2). Last evaluated 2025-08-20.

Conditions:
Immunodeficiency 39 (IMD39). Identifiers: Orphanet 574918, MedGen C4225358, MONDO:0014597, OMIM 616345.

Allele frequency attached by ClinVar (database versions not stated): gnomAD exomes below 0.00001; TOPMed below 0.00001; gnomAD 0.00001.

Submissions (2):

Labcorp Genetics (formerly Invitae), Labcorp
Classification: Uncertain significance for Immunodeficiency 39. Last evaluated: 2025-08-20. Review status: criteria provided, single submitter. Criteria: Invitae Variant Classification Sherloc (09022015). Collection method: clinical testing. Allele origin: germline.
Comment: This sequence change replaces aspartic acid, which is acidic and polar, with histidine, which is basic and polar, at codon 303 of the IRF7 protein (p.Asp303His). This variant is present in population databases (no rsID available, gnomAD 0.001%). This variant has not been reported in the literature in individuals affected with IRF7-related conditions. ClinVar contains an entry for this variant (Variation ID: 1932364). Invitae Evidence Modeling of protein sequence and biophysical properties (such as structural, functional, and spatial information, amino acid conservation, physicochemical variation, residue mobility, and thermodynamic stability) indicates that this missense variant is not expected to disrupt IRF7 protein function with a negative predictive value of 80%. In summary, the available evidence is currently insufficient to determine the role of this variant in disease. Therefore, it has been classified as a Variant of Uncertain Significance.

Ambry Genetics
Classification: Uncertain significance. Last evaluated: 2025-01-17. Review status: criteria provided, single submitter. Criteria: Ambry Variant Classification Scheme 2023. Collection method: clinical testing. Allele origin: germline.

NM_001572.5(IRF7):c.868G>C (p.Asp290His)

Gene: IRF7 (interferon regulatory factor 7; minus strand). Cytogenetic location: 11p15.5.
Variant type: single nucleotide variant.
Coding change: c.868G>C on transcript NM_001572.5 (MANE Select); coding-DNA position 868, G replaced by C.
Protein change: p.Asp290His; replaces aspartic acid 290 with histidine.
Molecular consequence: missense variant.
Genome position (GRCh38, 1-based): chr11:613,575, C>G on the plus strand (G>C on the coding strand, the complement: IRF7 is on the minus strand). VCF-style: chr11-613575-C-G. GRCh37 (hg19) VCF-style: chr11-613575-C-G.
Other names: c.907G>C (NM_004031.2); c.781G>C, p.Asp261His (NM_004029.4); c.907G>C, p.Asp303His (NM_004031.4); short protein forms D303H, D261H, D290H.
Identifiers: ClinVar variation 1932364 (VCV001932364.6), dbSNP rs965369705, ClinGen allele CA216910750.
Genomic context (GRCh38, chr11:613,575, plus strand): 5'-AGCTCGGGTGTCCCACCACCTTCTGCAGCACCGTGCGGCCCTTGTACATGATGGTCACGT[C>G]CAGCGCCCCTGGGCTGGGCTCTGTGTGGAGACCAAGCTGTGAGTGACGGGGGTGGGCGGG-3'
Protein context (NP_001563.2, residues 280-300): AVQEPSPGAL[Asp290His]VTIMYKGRTV